The following is an entry in ClinVar:

ClinVar aggregate classification (germline): Pathogenic (1 of 4 stars; one submission).

Conditions:
Trichorhinophalangeal syndrome, type III (TRPS3). Also called: SUGIO-KAJII SYNDROME. Identifiers: Orphanet 77258, MedGen C1860823, OMIM 190351, MONDO:0008597.

Submission:

Institute of Human Genetics, University of Leipzig Medical Center
Classification: Pathogenic for Trichorhinophalangeal syndrome, type III. Last evaluated: 2023-08-23. Review status: criteria provided, single submitter. Criteria: ACMG Guidelines, 2015. Collection method: clinical testing. Allele origin: unknown. Affected: yes.
Comment: Criteria applied: PVS1,PM2_SUP,PP4

NM_014112.5(TRPS1):c.3160del (p.Ser1054fs)

Gene: TRPS1 (transcriptional repressor GATA binding 1; minus strand). Cytogenetic location: 8q23.3.
Variant type: Deletion.
Coding change: c.3160del on transcript NM_014112.5 (MANE Select); coding-DNA position 3160, one base deleted (A; older notation c.3160delA).
Protein change: p.Ser1054fs; shifts the reading frame from serine 1054.
Molecular consequence: frameshift variant.
Genome position (GRCh38, 1-based): chr8:115,414,748, T deleted on the plus strand (A on the coding strand, the reverse complement: TRPS1 is on the minus strand); the first of 5 consecutive T bases (chr8:115,414,748-115,414,752); deleting any one gives the same sequence. VCF-style (leftmost placement, unchanged base first): chr8-115414747-CT-C. GRCh37 (hg19) VCF-style: chr8-116426975-CT-C.
Other names: c.3133del, p.Ser1045fs (NM_001282902.3); c.3139del, p.Ser1047fs (NM_001282903.3); c.3121del, p.Ser1041fs (NM_001330599.2); short protein forms S1041fs, S1045fs, S1047fs, S1054fs.
Identifiers: ClinVar variation 2578420 (VCV002578420.2), dbSNP rs2536582397, ClinGen allele CA2580617729.